The following is an entry in ClinVar:

NM_000138.5(FBN1):c.6869del (p.Val2290fs)

Gene: FBN1 (fibrillin 1; minus strand). Cytogenetic location: 15q21.1.
Variant type: Deletion.
Coding change: c.6869del on transcript NM_000138.5 (MANE Select); coding-DNA position 6869, one base deleted (T; older notation c.6869delT).
Protein change: p.Val2290fs; shifts the reading frame from valine 2290.
Molecular consequence: frameshift variant.
Genome position (GRCh38, 1-based): chr15:48,430,673, A deleted on the plus strand (T on the coding strand, the reverse complement: FBN1 is on the minus strand). VCF-style (leftmost placement, unchanged base first): chr15-48430672-TA-T. GRCh37 (hg19) VCF-style: chr15-48722869-TA-T.
Other names: short protein forms V2290fs.
Identifiers: ClinVar variation 1076323 (VCV001076323.7), dbSNP rs2141232407, ClinGen allele CA2499222970.

ClinVar aggregate classification (germline): Pathogenic (1 of 4 stars; one submission).

Conditions:
Familial thoracic aortic aneurysm and aortic dissection (TAAD). Also called: Thoracic aortic aneurysms and dissections. Identifiers: Orphanet 91387, MedGen C4707243, MONDO:0019625.
Marfan syndrome (MFS). Also called: Marfan syndrome type 1; Marfan's syndrome; Marfan syndrome, classic; MARFAN SYNDROME, TYPE I; FBN1-Related Marfan Syndrome. Identifiers: Orphanet 284963, Orphanet 558, MedGen C0024796, MONDO:0007947, OMIM 154700.

Submission:

Labcorp Genetics (formerly Invitae), Labcorp
Classification: Pathogenic for Marfan syndrome; Familial thoracic aortic aneurysm and aortic dissection. Last evaluated: 2020-09-03. Review status: criteria provided, single submitter. Criteria: Invitae Variant Classification Sherloc (09022015). Collection method: clinical testing. Allele origin: germline.
Comment: This sequence change creates a premature translational stop signal (p.Val2290Glufs*108) in the FBN1 gene. It is expected to result in an absent or disrupted protein product. This variant is not present in population databases (ExAC no frequency). This variant has not been reported in the literature in individuals with FBN1-related conditions. Loss-of-function variants in FBN1 are known to be pathogenic (PMID: 17657824, 19293843). For these reasons, this variant has been classified as Pathogenic.

Literature cited by the submitters: PubMed 17657824; PubMed 19293843.